The following is an entry in ClinVar:

NM_005188.4(CBL):c.1783A>G (p.Ile595Val)

Gene: CBL (Cbl proto-oncogene; plus strand). Cytogenetic location: 11q23.3.
Variant type: single nucleotide variant.
Coding change: c.1783A>G on transcript NM_005188.4 (MANE Select); coding-DNA position 1783, A replaced by G.
Protein change: p.Ile595Val; replaces isoleucine 595 with valine.
Molecular consequence: missense variant.
Genome position (GRCh38, 1-based): chr11:119,285,408, A>G. VCF-style: chr11-119285408-A-G. GRCh37 (hg19) VCF-style: chr11-119156118-A-G.
Other names: short protein forms I595V.
Identifiers: ClinVar variation 846971 (VCV000846971.15), dbSNP rs775675805, ClinGen allele CA229642422.

ClinVar aggregate classification (germline): Uncertain significance. Review status: criteria provided, multiple submitters, no conflicts (2 of 4 stars). 6 submissions from 6 submitters: Uncertain significance (5). 1 of the submissions does not count toward it. Last evaluated 2025-12-15.

Conditions:
Cardiovascular phenotype. Identifiers: MedGen CN230736.
RASopathy. Also called: Noonan spectrum disorder; rasopathies. Identifiers: Orphanet 536391, MedGen C5555857, MONDO:0021060.
CBL-related disorder. Also called: NOONAN SYNDROME-LIKE DISORDER WITHOUT JUVENILE MYELOMONOCYTIC LEUKEMIA; CBL MUTATION-ASSOCIATED SYNDROME; CBL SYNDROME. Identifiers: Orphanet 363972, MedGen C3150803, MONDO:0013308, OMIM 613563.
Juvenile myelomonocytic leukemia (JMML). Also called: LEUKEMIA, JUVENILE MYELOMONOCYTIC, SOMATIC. Identifiers: Orphanet 86834, MedGen C0349639, MONDO:0011908, OMIM 607785, HP:0012209.

Allele frequency attached by ClinVar (database versions not stated): gnomAD exomes 0.00001 and 0.00004; gnomAD 0.00002; TOPMed 0.00002.
gnomAD v4.1: 58 of 1,614,062 alleles (0.0036%); highest among the groups gnomAD compares: East Asian, 0.0089%; no homozygotes.

Submissions (6):

Labcorp Genetics (formerly Invitae), Labcorp
Classification: Uncertain significance for RASopathy. Last evaluated: 2025-12-15. Review status: criteria provided, single submitter. Criteria: Invitae Variant Classification Sherloc (09022015). Collection method: clinical testing. Allele origin: germline.
Comment: This sequence change replaces isoleucine, which is neutral and non-polar, with valine, which is neutral and non-polar, at codon 595 of the CBL protein (p.Ile595Val). This variant is present in population databases (rs775675805, gnomAD 0.006%). This variant has not been reported in the literature in individuals affected with CBL-related conditions. ClinVar contains an entry for this variant (Variation ID: 846971). Invitae Evidence Modeling of protein sequence and biophysical properties (such as structural, functional, and spatial information, amino acid conservation, physicochemical variation, residue mobility, and thermodynamic stability) indicates that this missense variant is not expected to disrupt CBL protein function with a negative predictive value of 95%. In summary, the available evidence is currently insufficient to determine the role of this variant in disease. Therefore, it has been classified as a Variant of Uncertain Significance.

Ambry Genetics
Classification: Uncertain significance for Cardiovascular phenotype. Last evaluated: 2025-01-23. Review status: criteria provided, single submitter. Criteria: Ambry Variant Classification Scheme 2023. Collection method: clinical testing. Allele origin: germline.

Fulgent Genetics
Classification: Uncertain significance for Juvenile myelomonocytic leukemia; CBL-related disorder. Last evaluated: 2021-09-02. Review status: criteria provided, single submitter. Criteria: ACMG Guidelines, 2015. Collection method: clinical testing. Allele origin: unknown.

GeneDx
Classification: Uncertain significance. Last evaluated: 2019-09-30. Review status: criteria provided, single submitter. Criteria: GeneDx Variant Classification Process June 2021. Collection method: clinical testing. Allele origin: germline. Affected: yes.
Comment: In silico analysis, which includes protein predictors and evolutionary conservation, supports that this variant does not alter protein structure/function; Has not been previously published as pathogenic or benign to our knowledge

Women's Health and Genetics/Laboratory Corporation of America, LabCorp
Classification: Uncertain significance. Last evaluated: 2019-09-01. Review status: criteria provided, single submitter. Criteria: LabCorp Variant Classification Summary - May 2015. Collection method: clinical testing. Allele origin: germline.
Comment: Variant summary: CBL c.1783A>G (p.Ile595Val) results in a conservative amino acid change in the encoded protein sequence. Five of five in-silico tools predict a benign effect of the variant on protein function. The variant allele was found at a frequency of 8e-06 in 251438 control chromosomes. The available data on variant occurrences in the general population are insufficient to allow any conclusion about variant significance. To our knowledge, no occurrence of c.1783A>G in individuals affected with Noonan Syndrome and Related Conditions and no experimental evidence demonstrating its impact on protein function have been reported. No clinical diagnostic laboratories have submitted clinical-significance assessments for this variant to ClinVar after 2014. Based on the evidence outlined above, the variant was classified as uncertain significance.

PreventionGenetics, part of Exact Sciences
Classification: Uncertain significance for CBL-related condition. Last evaluated: 2024-08-08. Review status: no assertion criteria provided. Collection method: clinical testing. Allele origin: germline. Not counted in ClinVar's aggregate classification.
Comment: The CBL c.1783A>G variant is predicted to result in the amino acid substitution p.Ile595Val. To our knowledge, this variant has not been reported in the literature. This variant is reported in 0.0054% of alleles in individuals of East Asian descent in gnomAD. At this time, the clinical significance of this variant is uncertain due to the absence of conclusive functional and genetic evidence.